The following is an entry in ClinVar:

NM_194279.4(ISCA2):c.154C>T (p.Leu52Phe)

Gene: ISCA2 (iron-sulfur cluster assembly 2; plus strand). Cytogenetic location: 14q24.3.
Variant type: single nucleotide variant.
Coding change: c.154C>T on transcript NM_194279.4 (MANE Select); coding-DNA position 154, C replaced by T.
Protein change: p.Leu52Phe; replaces leucine 52 with phenylalanine.
Molecular consequence: missense variant.
Genome position (GRCh38, 1-based): chr14:74,494,132, C>T. VCF-style: chr14-74494132-C-T. GRCh37 (hg19) VCF-style: chr14-74960835-C-T.
Other names: c.154C>T, p.Leu52Phe (NM_001272007.2); c.154C>T (NM_194279.3); short protein forms L52F.
Identifiers: ClinVar variation 2740585 (VCV002740585.6), dbSNP rs760723089, ClinGen allele CA7268273.

ClinVar aggregate classification (germline): Uncertain significance. Review status: criteria provided, multiple submitters, no conflicts (2 of 4 stars). 3 submissions from 3 submitters: Uncertain significance (3). Last evaluated 2026-09-15.

Conditions:
Multiple mitochondrial dysfunctions syndrome 4 (MMDS4). Also called: ISCA2-Related Mitochondrial Disorder. Identifiers: Orphanet 457406, MedGen C4225348, MONDO:0014611, OMIM 616370.

Allele frequency attached by ClinVar (database versions not stated): ExAC 0.00003.
gnomAD v4.1: 6 of 1,587,242 alleles (0.00038%); highest among the groups gnomAD compares: Admixed American, 0.0089%; no homozygotes.

Submissions (3):

GeneDx
Classification: Uncertain significance. Last evaluated: 2026-09-15. Review status: criteria provided, single submitter. Criteria: GeneDx Variant Classification Process June 2021. Collection method: clinical testing. Allele origin: germline.
Comment: In silico analysis supports that this missense variant has a deleterious effect on protein structure/function; Not observed at significant frequency in large population cohorts (gnomAD); This variant is associated with the following publications: (PMID: 34440194, 32311335, 35883565, 35098635, 39544370, 32424628, 28803783)

3billion
Classification: Uncertain significance for Multiple mitochondrial dysfunctions syndrome 4. Last evaluated: 2024-02-16. Review status: criteria provided, single submitter. Criteria: ACMG Guidelines, 2015. Collection method: clinical testing. Allele origin: germline. Affected: yes.
Comment: The variant is observed at an extremely low frequency in the gnomAD v2.1.1 dataset (total allele frequency: 0.001%). Predicted Consequence/Location: Missense variant Damaging effect on gene or gene product predicted by in silico programs is uncertain [REVEL: 0.25 (damaging >=0.6, benign <0.4), 3Cnet: 0.31 (damaging >=0.6, benign <0.15)]. Same nucleotide change resulting in same amino acid change has been previously reported to be associated with ISCA2 related disorder (PMID: 28803783). However, the evidence of pathogenicity is insufficient at this time. Therefore, this variant is classified as VUS according to the recommendation of ACMG/AMP guideline.

Labcorp Genetics (formerly Invitae), Labcorp
Classification: Uncertain significance. Last evaluated: 2023-11-14. Review status: criteria provided, single submitter. Criteria: Invitae Variant Classification Sherloc (09022015). Collection method: clinical testing. Allele origin: germline.
Comment: This sequence change replaces leucine, which is neutral and non-polar, with phenylalanine, which is neutral and non-polar, at codon 52 of the ISCA2 protein (p.Leu52Phe). This variant is present in population databases (rs760723089, gnomAD 0.01%). This missense change has been observed in individual(s) with clinical features of multiple mitochondrial dysfunctions syndrome (PMID: 28803783). An algorithm developed to predict the effect of missense changes on protein structure and function (PolyPhen-2) suggests that this variant is likely to be disruptive. In summary, the available evidence is currently insufficient to determine the role of this variant in disease. Therefore, it has been classified as a Variant of Uncertain Significance.

Literature cited by the submitters: PubMed 28803783 (cited by 3billion and Labcorp Genetics (formerly Invitae), Labcorp).